The following is an entry in ClinVar:

ClinVar aggregate classification (germline): Pathogenic/Likely pathogenic. Review status: criteria provided, multiple submitters, no conflicts (2 of 4 stars). 5 submissions from 5 submitters: Pathogenic (3); Likely pathogenic (2). Last evaluated 2025-05-19.

Conditions:
Orofaciodigital syndrome type 6 (OFD6). Also called: VARADI-PAPP SYNDROME; OROFACIODIGITAL SYNDROME VI; OFDS VI; POLYDACTYLY, CLEFT LIP/PALATE OR LINGUAL LUMP, AND PSYCHOMOTOR RETARDATION; VARADI SYNDROME; Oral-facial-digital syndrome type 6. Identifiers: Orphanet 2754, MedGen C2745997, MONDO:0010176, OMIM 277170.
Joubert syndrome 17 (JBTS17). Identifiers: Orphanet 475, MedGen C3553264, MONDO:0013824, OMIM 614615.
Joubert syndrome 1 (JBTS1). Also called: Cerebellooculorenal syndrome 1; CEREBELLOPARENCHYMAL DISORDER IV. Identifiers: MedGen C4551568, MONDO:0008944, OMIM 213300.

Submissions (5):

Dasa
Classification: Likely pathogenic. Last evaluated: 2025-05-19. Review status: criteria provided, single submitter. Criteria: DASA Assertion Criteria. Collection method: clinical testing. Allele origin: germline.
Comment: NM_001384732.1(CPLANE1):c.2898del (p.Pro968Hisfs*82) is a frameshift variant in CPLANE1 predicted to alter the reading frame and introduce a premature termination codon and is predicted to result in an absent or altered protein product. Loss of function is an established disease mechanism for CPLANE1-associated disorders. Also, this variant is rare in population databases. Based on the currently available evidence, this variant is classified as likely pathogenic.

Fulgent Genetics
Classification: Likely pathogenic for Orofaciodigital syndrome type 6; Joubert syndrome 17. Last evaluated: 2024-06-20. Review status: criteria provided, single submitter. Criteria: ACMG Guidelines, 2015. Collection method: clinical testing. Allele origin: germline.

Centre of Medical Genetics, University Hospital Muenster
Classification: Pathogenic. Last evaluated: 2022-07-01. Review status: criteria provided, single submitter. Criteria: ACMG Guidelines, 2015. Collection method: clinical testing. Allele origin: unknown. Affected: yes. Observed: 1 variant allele, 1 heterozygote.
Comment: ACMG categories: PVS1,PS4,PM3,PP5

Labcorp Genetics (formerly Invitae), Labcorp
Classification: Pathogenic. Last evaluated: 2022-06-27. Review status: criteria provided, single submitter. Criteria: Invitae Variant Classification Sherloc (09022015). Collection method: clinical testing. Allele origin: germline.
Comment: This sequence change creates a premature translational stop signal (p.Pro968Hisfs*82) in the CPLANE1 gene. It is expected to result in an absent or disrupted protein product. Loss-of-function variants in CPLANE1 are known to be pathogenic (PMID: 24178751, 26092869). This variant is not present in population databases (gnomAD no frequency). This variant has not been reported in the literature in individuals affected with CPLANE1-related conditions. ClinVar contains an entry for this variant (Variation ID: 802117). For these reasons, this variant has been classified as Pathogenic.

Mendelics
Classification: Pathogenic for Joubert syndrome 1. Last evaluated: 2019-05-24. Review status: criteria provided, single submitter. Criteria: Mendelics Assertion Criteria 2017. Collection method: clinical testing. Allele origin: unknown.
Comment: This variant was found in the same haplotype of variant NM_001384732.1(CPLANE1):c.1394del (p.Leu465fs) (ID: SCV001136828.1).

Literature cited by the submitters: PubMed 24178751 (cited by Labcorp Genetics (formerly Invitae), Labcorp); PubMed 26092869 (cited by Labcorp Genetics (formerly Invitae), Labcorp).

NM_001384732.1(CPLANE1):c.2898del (p.Pro968fs)

Gene: CPLANE1 (ciliogenesis and planar polarity effector complex subunit 1; minus strand). Cytogenetic location: 5p13.2.
Variant type: Deletion.
Coding change: c.2898del on transcript NM_001384732.1 (MANE Select); coding-DNA position 2898, one base deleted (T; older notation c.2898delT).
Protein change: p.Pro968fs; shifts the reading frame from proline 968.
Molecular consequence: frameshift variant.
Genome position (GRCh38, 1-based): chr5:37,213,581, A deleted on the plus strand (T on the coding strand, the reverse complement: CPLANE1 is on the minus strand); the first of 2 consecutive A bases (chr5:37,213,581-37,213,582); deleting either gives the same sequence. VCF-style (leftmost placement, unchanged base first): chr5-37213580-GA-G. GRCh37 (hg19) VCF-style: chr5-37213682-GA-G.
Other names: c.2898del, p.Pro968fs (NM_023073.4); c.2898del (NM_023073.3); short protein forms P968fs.
Identifiers: ClinVar variation 802117 (VCV000802117.12), dbSNP rs1305821156, ClinGen allele CA810298584.